The following is an entry in ClinVar:

NM_000038.6(APC):c.135+3685T>C

Gene: APC (APC regulator of WNT signaling pathway; plus strand). Cytogenetic location: 5q22.2.
Variant type: single nucleotide variant.
Coding change: c.135+3685T>C on transcript NM_000038.6 (MANE Select); 3685 bases into the intron after coding-DNA position 135, T replaced by C.
Molecular consequence: intron variant.
Genome position (GRCh38, 1-based): chr5:112,758,710, T>C. VCF-style: chr5-112758710-T-C. GRCh37 (hg19) VCF-style: chr5-112094407-T-C.
Other names: c.135+3685T>C (NM_001354895.2, NM_001127510.3, NM_001354896.2 and 2 more transcripts); c.166-7616T>C (NM_001354897.2, NM_001354902.2, NM_001127511.3); c.61-7616T>C (NM_001354898.2, NM_001354904.2); c.-901+3685T>C (NM_001354906.2); c.-42-7616T>C (NM_001354900.2, NM_001354901.2, NM_001354905.2).
Identifiers: ClinVar variation 82372 (VCV000082372.2), dbSNP rs76963617, ClinGen allele CA004357.

ClinVar aggregate classification (germline): other (0 of 4 stars; one submission).

Conditions:
Familial colorectal cancer. Identifiers: MedGen CN280943, MONDO:0023113. Disease mechanism: loss of function.

Submission:

Systems Biology Platform Zhejiang California International NanoSystems Institute
Classification: other for Familial colorectal cancer. Review status: no assertion criteria provided. Collection method: not provided. Allele origin: unknown.
ClinVar note: Converted during submission from cancer to other.